The following is an entry in ClinVar:

ClinVar aggregate classification (germline): Likely benign. Review status: criteria provided, single submitter (1 of 4 stars). 2 submissions from 2 submitters: Likely benign (1). 1 of the submissions does not count toward it. Last evaluated 2022-06-09.

Conditions:
KANK1-related disorder. Also called: KANK1-related condition.

Allele frequency attached by ClinVar (database versions not stated): TOPMed 0.00002; gnomAD 0.00003; gnomAD exomes 0.00005; ESP Exome Variant Server 0.00015; ExAC 0.00029.
gnomAD v4.1: 80 of 1,611,256 alleles (0.005%); highest among the groups gnomAD compares: Non-Finnish European, 0.0049%; no homozygotes.

Submissions (2):

Labcorp Genetics (formerly Invitae), Labcorp
Classification: Likely benign. Last evaluated: 2022-06-09. Review status: criteria provided, single submitter. Criteria: Invitae Variant Classification Sherloc (09022015). Collection method: clinical testing. Allele origin: germline.

PreventionGenetics, part of Exact Sciences
Classification: Likely benign for KANK1-related condition. Last evaluated: 2019-06-19. Review status: no assertion criteria provided. Collection method: clinical testing. Allele origin: germline. Not counted in ClinVar's aggregate classification.
Comment: This variant is classified as likely benign based on ACMG/AMP sequence variant interpretation guidelines (Richards et al. 2015 PMID: 25741868, with internal and published modifications).

NM_015158.5(KANK1):c.3570T>C (p.Asp1190=)

Gene: KANK1 (KN motif and ankyrin repeat domains 1; plus strand). Cytogenetic location: 9p24.3.
Variant type: single nucleotide variant.
Coding change: c.3570T>C on transcript NM_015158.5 (MANE Select); coding-DNA position 3570, T replaced by C.
Protein change: p.Asp1190=; no amino-acid change (aspartic acid 1190 retained).
Molecular consequence: synonymous variant. On other transcripts: non-coding transcript variant (1).
Genome position (GRCh38, 1-based): chr9:740,808, T>C. VCF-style: chr9-740808-T-C. GRCh37 (hg19) VCF-style: chr9-740808-T-C.
Other names: c.3570T>C (NM_015158.3); c.3570T>C, p.Asp1190= (NM_001256876.3, NM_001256877.3, NM_001354334.2); c.3330T>C, p.Asp1110= (NM_001354331.2); c.3516T>C, p.Asp1172= (NM_001354332.2); c.3096T>C, p.Asp1032= (NM_001354333.2, NM_001354335.2, NM_001354337.2 and 2 more transcripts); c.2802T>C, p.Asp934= (NM_001354336.2); c.3042T>C, p.Asp1014= (NM_001354338.2, NM_001354340.2, NM_001354344.2); c.2856T>C, p.Asp952= (NM_001354339.2, NM_001354342.2, NM_001354343.2).
Identifiers: ClinVar variation 2182333 (VCV002182333.6), dbSNP rs369894037, ClinGen allele CA4961045.